The following is an entry in ClinVar:

ClinVar aggregate classification (germline): Uncertain significance (1 of 4 stars; one submission).

Allele frequency attached by ClinVar (database versions not stated): gnomAD exomes below 0.00001; TOPMed 0.00001.
gnomAD v4.1: 2 of 1,568,520 alleles (0.00013%); highest among the groups gnomAD compares: African/African-American, 0.0027%; no homozygotes.

Submission:

Labcorp Genetics (formerly Invitae), Labcorp
Classification: Uncertain significance. Last evaluated: 2022-07-01. Review status: criteria provided, single submitter. Criteria: Invitae Variant Classification Sherloc (09022015). Collection method: clinical testing. Allele origin: germline.
Comment: In summary, the available evidence is currently insufficient to determine the role of this variant in disease. Therefore, it has been classified as a Variant of Uncertain Significance. Algorithms developed to predict the effect of missense changes on protein structure and function output the following: SIFT: "Tolerated"; PolyPhen-2: "Benign"; Align-GVGD: "Class C0". The valine amino acid residue is found in multiple mammalian species, which suggests that this missense change does not adversely affect protein function. This variant has not been reported in the literature in individuals affected with SAMD11-related conditions. This variant is not present in population databases (gnomAD no frequency). This sequence change replaces alanine, which is neutral and non-polar, with valine, which is neutral and non-polar, at codon 40 of the SAMD11 protein (p.Ala40Val).

NM_001385641.1(SAMD11):c.656C>T (p.Ala219Val)

Gene: SAMD11 (sterile alpha motif domain containing 11; plus strand). Cytogenetic location: 1p36.33.
Variant type: single nucleotide variant.
Coding change: c.656C>T on transcript NM_001385641.1 (MANE Select); coding-DNA position 656, C replaced by T.
Protein change: p.Ala219Val; replaces alanine 219 with valine.
Molecular consequence: missense variant.
Genome position (GRCh38, 1-based): chr1:930,201, C>T. VCF-style: chr1-930201-C-T. GRCh37 (hg19) VCF-style: chr1-865581-C-T.
Other names: c.656C>T, p.Ala219Val (NM_001385640.1); c.119C>T, p.Ala40Val (NM_152486.4); short protein forms A219V, A40V.
Identifiers: ClinVar variation 2012623 (VCV002012623.4), dbSNP rs761732159, ClinGen allele CA502427.